The following is an entry in ClinVar:

NM_000530.8(MPZ):c.275T>A (p.Val92Glu)

Gene: MPZ (myelin protein zero; minus strand). Cytogenetic location: 1q23.3.
Variant type: single nucleotide variant.
Coding change: c.275T>A on transcript NM_000530.8 (MANE Select); coding-DNA position 275, T replaced by A.
Protein change: p.Val92Glu; replaces valine 92 with glutamic acid.
Molecular consequence: missense variant.
Genome position (GRCh38, 1-based): chr1:161,306,881, A>T on the plus strand (T>A on the coding strand, the complement: MPZ is on the minus strand). VCF-style: chr1-161306881-A-T. GRCh37 (hg19) VCF-style: chr1-161276671-A-T.
Other names: c.275T>A, p.Val92Glu (NM_001315491.2); short protein forms V92E.
Identifiers: ClinVar variation 860307 (VCV000860307.11), dbSNP rs1352220911, ClinGen allele CA343349748.

ClinVar aggregate classification (germline): Uncertain significance. Review status: criteria provided, multiple submitters, no conflicts (2 of 4 stars). 3 submissions from 3 submitters: Uncertain significance (3). Last evaluated 2023-03-16.

Conditions:
Dejerine-Sottas disease. Also called: HEREDITARY MOTOR AND SENSORY NEUROPATHY TYPE III; Charcot-Marie-Tooth disease type 3; DEJERINE-SOTTAS NEUROPATHY; Hereditary motor and sensory neuropathy 3; HMSN Type III. Identifiers: Orphanet 64748, MedGen C0011195, MONDO:0007790, OMIM 145900.
Charcot-Marie-Tooth disease dominant intermediate D. Also called: Charcot-Marie-Tooth disease dominant intermediate 3; CMT DI3; CHARCOT-MARIE-TOOTH NEUROPATHY, DOMINANT INTERMEDIATE D. Identifiers: Orphanet 100046, MedGen C1843075, MONDO:0011909, OMIM 607791.
Charcot-Marie-Tooth disease type 2I (CMT2I). Also called: CHARCOT-MARIE-TOOTH DISEASE, AXONAL, TYPE 2I. Identifiers: Orphanet 99942, MedGen C3888087, MONDO:0011889, OMIM 607677.
Neuropathy, congenital hypomyelinating, 2. Identifiers: MedGen C4722277, MONDO:0020765, OMIM 618184.
Charcot-Marie-Tooth disease type 1B. Also called: HEREDITARY MOTOR AND SENSORY NEUROPATHY I; HEREDITARY MOTOR AND SENSORY NEUROPATHY IB; PERONEAL MUSCULAR ATROPHY; Charcot-Marie-Tooth disease, demyelinating, type 1b; Hereditary motor and sensory neuropathy 1B; Charcot-Marie-Tooth disease, type IB. Identifiers: Orphanet 101082, MedGen C0270912, MONDO:0007307, OMIM 118200.
Roussy-Lévy syndrome. Also called: Roussy Levy hereditary areflexic dystasia; Roussy-Levy disease; Hereditary areflexic dystasia; Roussy-Levy Syndrome. Identifiers: Orphanet 3115, MedGen C0205713, MONDO:0008392, OMIM 180800.
Charcot-Marie-Tooth disease type 2J (CMT2J). Also called: CHARCOT-MARIE-TOOTH DISEASE, AXONAL, TYPE 2J; CHARCOT-MARIE-TOOTH DISEASE, TYPE 2, WITH HEARING LOSS AND PUPILLARY ABNORMALITIES; CHARCOT-MARIE-TOOTH NEUROPATHY, TYPE 2J. Identifiers: Orphanet 99943, MedGen C1843153, MONDO:0011903, OMIM 607736.
Charcot-Marie-Tooth disease, type I (CMT1). Also called: Charcot-Marie-Tooth, Type 1; Charcot-Marie-Tooth disease type 1. Identifiers: Orphanet 65753, MedGen C0751036, MONDO:0019011.

Allele frequency attached by ClinVar (database versions not stated): gnomAD exomes 0.00001.
gnomAD v4.1: 13 of 1,613,680 alleles (0.00081%); highest among the groups gnomAD compares: Middle Eastern, 0.034%; no homozygotes.

Submissions (3):

Department of Pathology and Laboratory Medicine, Sinai Health System
Classification: Uncertain significance for Charcot-Marie-Tooth disease type 1B; Dejerine-Sottas disease; Roussy-Lévy syndrome; Charcot-Marie-Tooth disease type 2I; Charcot-Marie-Tooth disease type 2J; Charcot-Marie-Tooth disease dominant intermediate D; Neuropathy, congenital hypomyelinating, 2. Last evaluated: 2023-03-16. Review status: criteria provided, single submitter. Criteria: ACMG Guidelines, 2015. Collection method: research. Allele origin: germline.

Labcorp Genetics (formerly Invitae), Labcorp
Classification: Uncertain significance for Charcot-Marie-Tooth disease, type I. Last evaluated: 2022-12-06. Review status: criteria provided, single submitter. Criteria: Invitae Variant Classification Sherloc (09022015). Collection method: clinical testing. Allele origin: germline.
Comment: In summary, the available evidence is currently insufficient to determine the role of this variant in disease. Therefore, it has been classified as a Variant of Uncertain Significance. Advanced modeling of protein sequence and biophysical properties (such as structural, functional, and spatial information, amino acid conservation, physicochemical variation, residue mobility, and thermodynamic stability) performed at Invitae indicates that this missense variant is not expected to disrupt MPZ protein function. ClinVar contains an entry for this variant (Variation ID: 860307). This variant has not been reported in the literature in individuals affected with MPZ-related conditions. This variant is present in population databases (no rsID available, gnomAD 0.002%). This sequence change replaces valine, which is neutral and non-polar, with glutamic acid, which is acidic and polar, at codon 92 of the MPZ protein (p.Val92Glu).

Breakthrough Genomics
Classification: Uncertain significance. Review status: criteria provided, single submitter. Criteria: ACMG Guidelines, 2015. Collection method: not provided. Allele origin: germline. Inheritance: Autosomal recessive inheritance. Affected: yes.